The following is an entry in ClinVar:

NM_007315.4(STAT1):c.1395G>A (p.Pro465=)

Gene: STAT1 (signal transducer and activator of transcription 1; minus strand). Cytogenetic location: 2q32.2.
Variant type: single nucleotide variant.
Coding change: c.1395G>A on transcript NM_007315.4 (MANE Select); coding-DNA position 1395, G replaced by A.
Protein change: p.Pro465=; no amino-acid change (proline 465 retained).
Molecular consequence: synonymous variant.
Genome position (GRCh38, 1-based): chr2:190,983,693, C>T on the plus strand (G>A on the coding strand, the complement: STAT1 is on the minus strand). VCF-style: chr2-190983693-C-T. GRCh37 (hg19) VCF-style: chr2-191848419-C-T.
Other names: c.1335G>A, p.Pro445= (NM_001384880.1); c.1401G>A, p.Pro467= (NM_001384881.1, NM_001384884.1); c.1389G>A, p.Pro463= (NM_001384882.1); c.1296G>A, p.Pro432= (NM_001384883.1); c.1236G>A, p.Pro412= (NM_001384885.1); c.1395G>A, p.Pro465= (NM_001384886.1, NM_001384889.1, NM_139266.3); c.1302G>A, p.Pro434= (NM_001384887.1); c.1365G>A, p.Pro455= (NM_001384888.1); and 3 more.
Identifiers: ClinVar variation 1639670 (VCV001639670.10), dbSNP rs774119065, ClinGen allele CA2029938.
Genomic context (GRCh38, chr2:190,983,693, plus strand): 5'-TTTCCATACCCTGGGTTCCGCCACCAGCATGTTGTACCAAAGGATGGAGGCCCAACCGCT[C>T]GGGAGCTGGCTGACGTTGGAGATCACCACAACGGGCAGAGAGGTCGTCTAAAGGATGACA-3'
Protein context (NP_009330.1, residues 455-475): VVVISNVSQL[Pro465=]SGWASILWYN

ClinVar aggregate classification (germline): Likely benign. Review status: criteria provided, single submitter (1 of 4 stars). 2 submissions from 2 submitters: Likely benign (1). 1 of the submissions does not count toward it. Last evaluated 2024-10-24.

Conditions:
Mendelian susceptibility to mycobacterial diseases due to partial STAT1 deficiency. Also called: Immunodeficiency 31a; IMMUNODEFICIENCY 31A, MYCOBACTERIOSIS, AUTOSOMAL DOMINANT; STAT1 DEFICIENCY, AUTOSOMAL DOMINANT. Identifiers: Orphanet 319595, MedGen C4013950, MONDO:0013956, OMIM 614892.
Immunodeficiency 31B. Also called: IMMUNODEFICIENCY 31B, MYCOBACTERIAL AND VIRAL INFECTIONS, AUTOSOMAL RECESSIVE; STAT1 DEFICIENCY, AUTOSOMAL RECESSIVE. Identifiers: Orphanet 391311, MedGen C3151088, MONDO:0013427, OMIM 613796.
Autoimmune enteropathy and endocrinopathy - susceptibility to chronic infections syndrome. Also called: Immunodeficiency 31C; Immunodeficiency 31C, autosomal dominant. Identifiers: Orphanet 391487, MedGen C3279990, MONDO:0013599, OMIM 614162.
STAT1-related disorder. Also called: STAT1-related condition.

Allele frequency attached by ClinVar (database versions not stated): gnomAD 0.00001; TOPMed 0.00002; ExAC 0.00003; gnomAD exomes 0.00003.
gnomAD v4.1: 22 of 1,613,978 alleles (0.0014%); highest among the groups gnomAD compares: East Asian, 0.031%; no homozygotes.

Submissions (2):

Labcorp Genetics (formerly Invitae), Labcorp
Classification: Likely benign for Mendelian susceptibility to mycobacterial diseases due to partial STAT1 deficiency; Immunodeficiency 31B; Autoimmune enteropathy and endocrinopathy - susceptibility to chronic infections syndrome. Last evaluated: 2024-10-24. Review status: criteria provided, single submitter. Criteria: Invitae Variant Classification Sherloc (09022015). Collection method: clinical testing. Allele origin: germline.

PreventionGenetics, part of Exact Sciences
Classification: Likely benign for STAT1-related condition. Last evaluated: 2019-05-21. Review status: no assertion criteria provided. Collection method: clinical testing. Allele origin: germline. Not counted in ClinVar's aggregate classification.
Comment: This variant is classified as likely benign based on ACMG/AMP sequence variant interpretation guidelines (Richards et al. 2015 PMID: 25741868, with internal and published modifications).